The following is an entry in ClinVar:

ClinVar aggregate classification (germline): Likely pathogenic (1 of 4 stars; one submission).

Conditions:
Hereditary cancer-predisposing syndrome. Also called: Neoplastic Syndromes, Hereditary; Tumor predisposition; Hereditary Cancer Syndrome; Hereditary neoplastic syndrome. Identifiers: Orphanet 140162, MedGen C0027672, MeSH D009386, MONDO:0015356.

Submission:

Ambry Genetics
Classification: Likely pathogenic for Hereditary cancer-predisposing syndrome. Last evaluated: 2020-03-26. Review status: criteria provided, single submitter. Criteria: Ambry Variant Classification Scheme 2023. Collection method: clinical testing. Allele origin: germline.
Comment: The c.683+5G>A intronic variant results from a G to A substitution 5 nucleotides after coding exon 5 in the SUFU gene. This nucleotide position is highly conserved in available vertebrate species. Using the BDGP and ESEfinder splice site prediction tools, this alteration is predicted to weaken the efficiency of the native splice donor site. RNA studies have demonstrated that this alteration results in abnormal splicing in the set of samples tested (Ambry internal data). Based on the majority of available evidence to date, this variant is likely to be pathogenic.

NM_016169.4(SUFU):c.683+5G>A

Gene: SUFU (SUFU negative regulator of hedgehog signaling; plus strand). Cytogenetic location: 10q24.32.
Variant type: single nucleotide variant.
Coding change: c.683+5G>A on transcript NM_016169.4 (MANE Select); 5 bases into the intron after coding-DNA position 683, G replaced by A.
Molecular consequence: intron variant.
Genome position (GRCh38, 1-based): chr10:102,593,726, G>A. VCF-style: chr10-102593726-G-A. GRCh37 (hg19) VCF-style: chr10-104353483-G-A.
Other names: c.683+5G>A (NM_001178133.2).
Identifiers: ClinVar variation 1755682 (VCV001755682.2), dbSNP rs2135870931, ClinGen allele CA2580081187.
Genomic context (GRCh38, chr10:102,593,726, plus strand): 5'-TCAGCCCAGCAGTGGAACGGGCAGGGCATCCTGGAGCTGCTGCGGACAGTGCCTATGTGA[G>A]TACCCATGCAAGGTGGGAGCGCGGCTCCCTGGGCCTGGGGGTGGGAGTCCCTCCACTACC-3'